The following is an entry in ClinVar:

NM_182961.4(SYNE1):c.22096G>T (p.Ala7366Ser)

Gene: SYNE1 (spectrin repeat containing nuclear envelope protein 1; minus strand). Cytogenetic location: 6q25.2.
Variant type: single nucleotide variant.
Coding change: c.22096G>T on transcript NM_182961.4 (MANE Select); coding-DNA position 22096, G replaced by T.
Protein change: p.Ala7366Ser; replaces alanine 7366 with serine.
Molecular consequence: missense variant.
Genome position (GRCh38, 1-based): chr6:152,218,352, C>A on the plus strand (G>T on the coding strand, the complement: SYNE1 is on the minus strand). VCF-style: chr6-152218352-C-A. GRCh37 (hg19) VCF-style: chr6-152539487-C-A.
Other names: c.21883G>T, p.Ala7295Ser (NM_033071.5); short protein forms A7295S, A7366S.
Identifiers: ClinVar variation 3025835 (VCV003025835.22), dbSNP rs2551491467, ClinGen allele CA366102611.

ClinVar aggregate classification (germline): Uncertain significance (1 of 4 stars; one submission).

gnomAD v4.1: 2 of 1,613,952 alleles (0.00012%); highest among the groups gnomAD compares: Non-Finnish European, 0.00017%; no homozygotes.

Submission:

CeGaT Center for Human Genetics Tuebingen
Classification: Uncertain significance. Last evaluated: 2024-02-01. Review status: criteria provided, single submitter. Criteria: CeGaT Center For Human Genetics Tuebingen Variant Classification Criteria Version 2. Collection method: clinical testing. Allele origin: germline. Affected: yes. Observed: 1 variant allele.
Comment: SYNE1: PM2, BP4